The following is an entry in ClinVar:

ClinVar aggregate classification (germline): Benign (1 of 4 stars; one submission).

Conditions:
Tuberous sclerosis 2 (TSC2). Identifiers: Orphanet 805, MedGen C1860707, MONDO:0013199, OMIM 613254.

Submission:

Myriad Genetics, Inc.
Classification: Benign for Tuberous sclerosis 2. Last evaluated: 2025-05-29. Review status: criteria provided, single submitter. Criteria: Myriad Autosomal Dominant, Autosomal Recessive and X-Linked Classification Criteria (2023). Collection method: clinical testing. Allele origin: unknown.
Comment: This variant is considered benign. This variant is a silent/synonymous amino acid change and it is not expected to impact splicing.

NM_000548.5(TSC2):c.3522G>A (p.Arg1174=)

Gene: TSC2 (TSC complex subunit 2; plus strand). Cytogenetic location: 16p13.3.
Variant type: single nucleotide variant.
Coding change: c.3522G>A on transcript NM_000548.5 (MANE Select); coding-DNA position 3522, G replaced by A.
Protein change: p.Arg1174=; no amino-acid change (arginine 1174 retained).
Molecular consequence: synonymous variant. On other transcripts: non-coding transcript variant (5).
Genome position (GRCh38, 1-based): chr16:2,080,289, G>A. VCF-style: chr16-2080289-G-A. GRCh37 (hg19) VCF-style: chr16-2130290-G-A.
Other names: c.3390G>A, p.Arg1130= (NM_001077183.3, NM_001370404.1, NM_001406665.1); c.3522G>A, p.Arg1174= (NM_001114382.3); c.3282G>A, p.Arg1094= (NM_001318827.2); c.3246G>A, p.Arg1082= (NM_001318829.2); c.2790G>A, p.Arg930= (NM_001318831.2, NM_001406687.1, NM_001406688.1); c.3423G>A, p.Arg1141= (NM_001318832.2); c.3393G>A, p.Arg1131= (NM_001363528.2, NM_001370405.1, NM_021055.3); c.3519G>A, p.Arg1173= (NM_001406663.1, NM_001406664.1); and 18 more.
Identifiers: ClinVar variation 4071078 (VCV004071078.1).
Genomic context (GRCh38, chr16:2,080,289, plus strand): 5'-TTCTCCAGGACCACGGACTGCACCAGCCGCGAAACCTGAGAAGGCCTCAGCTGGCACCCG[G>A]GTTCCTGTGCAGGAGAAGACGAACCTGGCGGCCTATGTGCCCCTGCTGACCCAGGGCTGG-3'
Protein context (NP_000539.2, residues 1164-1184): AKPEKASAGT[Arg1174=]VPVQEKTNLA